The following is an entry in ClinVar:

NM_006012.4(CLPP):c.372T>C (p.Gly124=)

Gene: CLPP (caseinolytic mitochondrial matrix peptidase proteolytic subunit; plus strand). Cytogenetic location: 19p13.3.
Variant type: single nucleotide variant.
Coding change: c.372T>C on transcript NM_006012.4 (MANE Select); coding-DNA position 372, T replaced by C.
Protein change: p.Gly124=; no amino-acid change (glycine 124 retained).
Molecular consequence: synonymous variant.
Genome position (GRCh38, 1-based): chr19:6,364,456, T>C. VCF-style: chr19-6364456-T-C. GRCh37 (hg19) VCF-style: chr19-6364467-T-C.
Other names: c.372T>C (NM_006012.2).
Identifiers: ClinVar variation 2908079 (VCV002908079.6), dbSNP rs369061871, ClinGen allele CA9122908.

ClinVar aggregate classification (germline): Likely benign. Review status: criteria provided, multiple submitters, no conflicts (2 of 4 stars). 3 submissions from 3 submitters: Likely benign (2). 1 of the submissions does not count toward it. Last evaluated 2025-05-21.

Conditions:
CLPP-related disorder. Also called: CLPP-related condition.

Allele frequency attached by ClinVar (database versions not stated): gnomAD exomes 0.00001; ExAC 0.00006; gnomAD 0.00014; ESP Exome Variant Server 0.00015; TOPMed 0.00015.
gnomAD v4.1: 39 of 1,606,278 alleles (0.0024%); highest among the groups gnomAD compares: African/African-American, 0.044%; no homozygotes.

Submissions (3):

Labcorp Genetics (formerly Invitae), Labcorp
Classification: Likely benign. Last evaluated: 2025-05-21. Review status: criteria provided, single submitter. Criteria: Invitae Variant Classification Sherloc (09022015). Collection method: clinical testing. Allele origin: germline.

Blueprint Genetics
Classification: Likely benign. Last evaluated: 2019-12-13. Review status: criteria provided, single submitter. Criteria: ACMG Guidelines, 2015. Collection method: clinical testing. Allele origin: germline.

PreventionGenetics, part of Exact Sciences
Classification: Likely benign for CLPP-related condition. Last evaluated: 2019-08-28. Review status: no assertion criteria provided. Collection method: clinical testing. Allele origin: germline. Not counted in ClinVar's aggregate classification.
Comment: This variant is classified as likely benign based on ACMG/AMP sequence variant interpretation guidelines (Richards et al. 2015 PMID: 25741868, with internal and published modifications).